The following is an entry in ClinVar:

NM_012281.3(KCND2):c.107A>G (p.Lys36Arg)

Gene: KCND2 (potassium voltage-gated channel subfamily D member 2; plus strand). Cytogenetic location: 7q31.31.
Variant type: single nucleotide variant.
Coding change: c.107A>G on transcript NM_012281.3 (MANE Select); coding-DNA position 107, A replaced by G.
Protein change: p.Lys36Arg; replaces lysine 36 with arginine.
Molecular consequence: missense variant.
Genome position (GRCh38, 1-based): chr7:120,274,739, A>G. VCF-style: chr7-120274739-A-G. GRCh37 (hg19) VCF-style: chr7-119914793-A-G.
Other names: short protein forms K36R.
Identifiers: ClinVar variation 4694185 (VCV004694185.1).

ClinVar aggregate classification (germline): Uncertain significance (1 of 4 stars; one submission).

Conditions:
Early Myoclonic Encephalopathy. Identifiers: MedGen C0270855.

gnomAD v4.1: 3 of 1,613,804 alleles (0.00019%); highest among the groups gnomAD compares: African/African-American, 0.004%; no homozygotes.

Submission:

Labcorp Genetics (formerly Invitae), Labcorp
Classification: Uncertain significance for Early Myoclonic Encephalopathy. Last evaluated: 2025-08-25. Review status: criteria provided, single submitter. Criteria: Invitae Variant Classification Sherloc (09022015). Collection method: clinical testing. Allele origin: germline.
Comment: This sequence change replaces lysine, which is basic and polar, with arginine, which is basic and polar, at codon 36 of the KCND2 protein (p.Lys36Arg). This variant is not present in population databases (gnomAD no frequency). This variant has not been reported in the literature in individuals affected with KCND2-related conditions. Invitae Evidence Modeling of protein sequence and biophysical properties (such as structural, functional, and spatial information, amino acid conservation, physicochemical variation, residue mobility, and thermodynamic stability) indicates that this missense variant is not expected to disrupt KCND2 protein function with a negative predictive value of 95%. In summary, the available evidence is currently insufficient to determine the role of this variant in disease. Therefore, it has been classified as a Variant of Uncertain Significance.